The following is an entry in ClinVar:

ClinVar aggregate classification (germline): Pathogenic (1 of 4 stars; one submission).

Submission:

Medical Genetic Center, Changzhi Maternal and Child Health Care Hospital
Classification: Pathogenic. Last evaluated: 2025-12-10. Review status: criteria provided, single submitter. Criteria: ACMG/ClinGen CNV Guidelines, 2019. Collection method: clinical testing. Allele origin: unknown.
Comment: 2A:Xq28 recurrent region (int22h1/int22h2-flanked) (includes RAB39B)

GRCh38/hg38 Xq28(chrX:154881139-155396181)x2

Genes: BRCC3 (BRCA1/BRCA2-containing complex subunit 3; plus strand), CLIC2 (chloride intracellular channel 2; minus strand), CMC4 (C-X9-C motif containing 4; minus strand), F8 (coagulation factor VIII; minus strand), F8A1 (coagulation factor VIII associated 1; plus strand) and 25 more. Cytogenetic location: Xq28.
Variant type: copy number gain.
Change: copy number 2 of chrX:154,881,139-155,396,181 (515.0 kb, GRCh38 coordinates, 1-based), cytogenetic band Xq28.
Identifiers: ClinVar variation 4796313 (VCV004796313.1).